The following is an entry in ClinVar:

ClinVar aggregate classification (germline): Uncertain significance (1 of 4 stars; one submission).

Conditions:
Neuromuscular disease caused by qualitative or quantitative defects of dysferlin. Also called: Qualitative or quantitative defects of dysferlin; Dysferlinopathy. Identifiers: Orphanet 207073, MedGen C2931687, MONDO:0016145.

Allele frequency attached by ClinVar (database versions not stated): gnomAD exomes below 0.00001.
gnomAD v4.1: 1 of 1,614,122 alleles (0.000062%); highest among the groups gnomAD compares: South Asian, 0.0011%; no homozygotes.

Submission:

Labcorp Genetics (formerly Invitae), Labcorp
Classification: Uncertain significance for Neuromuscular disease caused by qualitative or quantitative defects of dysferlin. Last evaluated: 2022-01-18. Review status: criteria provided, single submitter. Criteria: Invitae Variant Classification Sherloc (09022015). Collection method: clinical testing. Allele origin: germline.
Comment: This sequence change replaces tyrosine, which is neutral and polar, with cysteine, which is neutral and slightly polar, at codon 1034 of the DYSF protein (p.Tyr1034Cys). This variant is not present in population databases (gnomAD no frequency). This variant has not been reported in the literature in individuals affected with DYSF-related conditions. Advanced modeling of protein sequence and biophysical properties (such as structural, functional, and spatial information, amino acid conservation, physicochemical variation, residue mobility, and thermodynamic stability) performed at Invitae indicates that this missense variant is expected to disrupt DYSF protein function. In summary, the available evidence is currently insufficient to determine the role of this variant in disease. Therefore, it has been classified as a Variant of Uncertain Significance.

NM_001130987.2(DYSF):c.3155A>G (p.Tyr1052Cys)

Gene: DYSF (dysferlin; plus strand). Cytogenetic location: 2p13.2.
Variant type: single nucleotide variant.
Coding change: c.3155A>G on transcript NM_001130987.2 (MANE Select); coding-DNA position 3155, A replaced by G.
Protein change: p.Tyr1052Cys; replaces tyrosine 1052 with cysteine.
Molecular consequence: missense variant.
Genome position (GRCh38, 1-based): chr2:71,570,668, A>G. VCF-style: chr2-71570668-A-G. GRCh37 (hg19) VCF-style: chr2-71797798-A-G.
Other names: c.3104A>G, p.Tyr1035Cys (NM_001130455.2, NM_001130983.2); c.3059A>G, p.Tyr1020Cys (NM_001130976.2, NM_001130977.2); c.3101A>G, p.Tyr1034Cys (NM_001130978.2, NM_003494.4); c.3194A>G, p.Tyr1065Cys (NM_001130979.2); c.3152A>G, p.Tyr1051Cys (NM_001130980.2, NM_001130981.2); c.3197A>G, p.Tyr1066Cys (NM_001130982.2); c.3062A>G, p.Tyr1021Cys (NM_001130984.2, NM_001130986.2); c.3155A>G, p.Tyr1052Cys (NM_001130985.2); short protein forms Y1020C, Y1066C, Y1034C, Y1052C, Y1021C, Y1051C, Y1065C, Y1035C.
Identifiers: ClinVar variation 1442763 (VCV001442763.3), dbSNP rs1553556062, ClinGen allele CA347217037.